The following is an entry in ClinVar:

ClinVar aggregate classification (germline): Uncertain significance. Review status: criteria provided, multiple submitters, no conflicts (2 of 4 stars). 4 submissions from 4 submitters: Uncertain significance (4). Last evaluated 2024-11-25.

Conditions:
Inborn genetic diseases. Identifiers: MedGen C0950123, MeSH D030342.

Allele frequency attached by ClinVar (database versions not stated): gnomAD exomes below 0.00001; TOPMed below 0.00001.
gnomAD v4.1: 3 of 1,614,220 alleles (0.00019%); highest among the groups gnomAD compares: Admixed American, 0.0017%; no homozygotes.

Submissions (4):

Ambry Genetics
Classification: Uncertain significance for Inborn genetic diseases. Last evaluated: 2024-11-25. Review status: criteria provided, single submitter. Criteria: Ambry Variant Classification Scheme 2023. Collection method: clinical testing. Allele origin: germline.
Comment: The p.Q233K variant (also known as c.697C>A), located in coding exon 6 of the PAX5 gene, results from a C to A substitution at nucleotide position 697. The glutamine at codon 233 is replaced by lysine, an amino acid with similar properties. This amino acid position is conserved. In addition, this alteration is predicted to be deleterious by in silico analysis. Based on the available evidence, the clinical significance of this variant remains unclear.

GeneDx
Classification: Uncertain significance. Last evaluated: 2024-01-19. Review status: criteria provided, single submitter. Criteria: GeneDx Variant Classification Process June 2021. Collection method: clinical testing. Allele origin: germline. Affected: yes.
Comment: Not observed at significant frequency in large population cohorts (gnomAD); In silico analysis supports that this missense variant has a deleterious effect on protein structure/function; Has not been previously published as pathogenic or benign to our knowledge

Blueprint Genetics
Classification: Uncertain significance. Last evaluated: 2023-09-11. Review status: criteria provided, single submitter. Criteria: ACMG Guidelines, 2015. Collection method: clinical testing. Allele origin: germline.

Labcorp Genetics (formerly Invitae), Labcorp
Classification: Uncertain significance. Last evaluated: 2023-03-08. Review status: criteria provided, single submitter. Criteria: Invitae Variant Classification Sherloc (09022015). Collection method: clinical testing. Allele origin: germline.
Comment: In summary, the available evidence is currently insufficient to determine the role of this variant in disease. Therefore, it has been classified as a Variant of Uncertain Significance. Advanced modeling of protein sequence and biophysical properties (such as structural, functional, and spatial information, amino acid conservation, physicochemical variation, residue mobility, and thermodynamic stability) performed at Invitae indicates that this missense variant is not expected to disrupt PAX5 protein function. This variant has not been reported in the literature in individuals affected with PAX5-related conditions. This variant is present in population databases (no rsID available, gnomAD 0.003%). This sequence change replaces glutamine, which is neutral and polar, with lysine, which is basic and polar, at codon 233 of the PAX5 protein (p.Gln233Lys).

NM_016734.3(PAX5):c.697C>A (p.Gln233Lys)

Gene: PAX5 (paired box 5; minus strand). Cytogenetic location: 9p13.2.
Variant type: single nucleotide variant.
Coding change: c.697C>A on transcript NM_016734.3 (MANE Select); coding-DNA position 697, C replaced by A.
Protein change: p.Gln233Lys; replaces glutamine 233 with lysine.
Molecular consequence: missense variant. On other transcripts: non-coding transcript variant (2).
Genome position (GRCh38, 1-based): chr9:36,966,632, G>T on the plus strand (C>A on the coding strand, the complement: PAX5 is on the minus strand). VCF-style: chr9-36966632-G-T. GRCh37 (hg19) VCF-style: chr9-36966629-G-T.
Other names: c.697C>A (NM_016734.2, NM_016734.1); c.697C>A, p.Gln233Lys (NM_001280547.2, NM_001280548.2, NM_001280549.2 and 2 more transcripts); c.373C>A, p.Gln125Lys (NM_001280551.2, NM_001280556.2); c.568C>A, p.Gln190Lys (NM_001280553.2, NM_001280554.2); c.499C>A, p.Gln167Lys (NM_001280555.2); short protein forms Q190K, Q125K, Q167K, Q233K.
Identifiers: ClinVar variation 2873000 (VCV002873000.6), dbSNP rs1416375120, ClinGen allele CA373486738.
Genomic context (GRCh38, chr9:36,966,632, plus strand): 5'-TGGTGGTGAAGATGTCTGAGTAGTGCTGCCTCTCAAACACGCGGTCCAGCACCTCCAGCT[G>T]CTGCTGTGTGAACAAGTCTCCCCGCATCTGCTTCCGGAGGAAGTCTCTGCCCGGAAGCGA-3'
Protein context (NP_057953.1, residues 223-243): QMRGDLFTQQ[Gln233Lys]LEVLDRVFER